The following is an entry in ClinVar:

NM_001039660.2(IL18BP):c.507+1G>A

Gene: IL18BP (interleukin 18 binding protein; plus strand). Cytogenetic location: 11q13.4.
Variant type: single nucleotide variant.
Coding change: c.507+1G>A on transcript NM_001039660.2 (MANE Select); the canonical splice donor site of the intron after coding-DNA position 507, G replaced by A.
Molecular consequence: splice donor variant. On other transcripts: missense variant (1), intron variant (2).
Genome position (GRCh38, 1-based): chr11:72,001,553, G>A. VCF-style: chr11-72001553-G-A. GRCh37 (hg19) VCF-style: chr11-71712599-G-A.
Other names: c.508G>A, p.Val170Met (NM_005699.3); c.507+1G>A (NM_001039659.2, NM_173042.2, NM_001145057.1); c.379+129G>A (NM_173044.3); c.236-231G>A (NM_001145055.1); short protein forms V170M.
Identifiers: ClinVar variation 2869090 (VCV002869090.3), dbSNP rs766510846, ClinGen allele CA6166260.

ClinVar aggregate classification (germline): Uncertain significance (1 of 4 stars; one submission).

Allele frequency attached by ClinVar (database versions not stated): ExAC 0.00002; gnomAD exomes 0.00002.
gnomAD v4.1: 27 of 1,611,304 alleles (0.0017%); highest among the groups gnomAD compares: South Asian, 0.03%; no homozygotes.

Submission:

Labcorp Genetics (formerly Invitae), Labcorp
Classification: Uncertain significance. Last evaluated: 2025-01-15. Review status: criteria provided, single submitter. Criteria: Invitae Variant Classification Sherloc (09022015). Collection method: clinical testing. Allele origin: germline.
Comment: This sequence change affects a donor splice site in intron 4 of the IL18BP gene. It is expected to disrupt RNA splicing. Variants that disrupt the donor or acceptor splice site typically lead to a loss of protein function (PMID: 16199547), however the current clinical and genetic evidence is not sufficient to establish whether loss-of-function variants in IL18BP cause disease. This variant is present in population databases (rs766510846, gnomAD 0.04%). This variant has not been reported in the literature in individuals affected with IL18BP-related conditions. ClinVar contains an entry for this variant (Variation ID: 2869090). Algorithms developed to predict the effect of sequence changes on RNA splicing suggest that this variant may disrupt the consensus splice site. In summary, the available evidence is currently insufficient to determine the role of this variant in disease. Therefore, it has been classified as a Variant of Uncertain Significance.

Literature cited by the submitters: PubMed 16199547.